The following is an entry in ClinVar:

NM_024642.5(GALNT12):c.153A>T (p.Gly51=)

Gene: GALNT12 (polypeptide N-acetylgalactosaminyltransferase 12; plus strand). Cytogenetic location: 9q22.33.
Variant type: single nucleotide variant.
Coding change: c.153A>T on transcript NM_024642.5 (MANE Select); coding-DNA position 153, A replaced by T.
Protein change: p.Gly51=; no amino-acid change (glycine 51 retained).
Molecular consequence: synonymous variant.
Genome position (GRCh38, 1-based): chr9:98,807,851, A>T. VCF-style: chr9-98807851-A-T. GRCh37 (hg19) VCF-style: chr9-101570133-A-T.
Identifiers: ClinVar variation 4875809 (VCV004875809.1).

ClinVar aggregate classification (germline): Benign (1 of 4 stars; one submission).

Conditions:
Colorectal cancer, susceptibility to, 1. Also called: COLORECTAL ADENOMA AND CANCER, SUSCEPTIBILITY TO; COLORECTAL CANCER, SUSCEPTIBILITY TO, ON CHROMOSOME 9. Identifiers: MedGen C1837315, MONDO:0012132, OMIM 608812.

Submission:

Myriad Genetics, Inc.
Classification: Benign for Colorectal cancer, susceptibility to, 1. Last evaluated: 2026-04-22. Review status: criteria provided, single submitter. Criteria: Myriad Autosomal Dominant, Autosomal Recessive and X-Linked Classification Criteria (2023). Collection method: clinical testing. Allele origin: unknown.
Comment: This variant is considered benign. This variant is a silent/synonymous amino acid change and it is not expected to impact splicing.